The following is an entry in ClinVar:

ClinVar aggregate classification (germline): Uncertain significance (1 of 4 stars; one submission).

Conditions:
Arrhythmogenic right ventricular dysplasia 8 (ARVD8). Also called: Arrhythmogenic Right Ventricular Dysplasia/Cardiomyopathy 8; ARRHYTHMOGENIC RIGHT VENTRICULAR DYSPLASIA, FAMILIAL, 8; ARRHYTHMOGENIC RIGHT VENTRICULAR CARDIOMYOPATHY 8. Identifiers: MedGen C1843896, MONDO:0011831, OMIM 607450.
Arrhythmogenic cardiomyopathy with wooly hair and keratoderma. Also called: Arrhythmogenic cardiomyopathy with woolly hair and keratoderma; Carvajal syndrome; Dilated cardiomyopathy with woolly hair and keratoderma; PALMOPLANTAR KERATODERMA WITH LEFT VENTRICULAR CARDIOMYOPATHY AND WOOLLY HAIR. Identifiers: Orphanet 65282, MedGen C1854063, MONDO:0011581, OMIM 605676.

Allele frequency attached by ClinVar (database versions not stated): gnomAD exomes below 0.00001.
gnomAD v4.1: 1 of 1,614,186 alleles (0.000062%); highest among the groups gnomAD compares: African/African-American, 0.0013%; no homozygotes.

Submission:

Labcorp Genetics (formerly Invitae), Labcorp
Classification: Uncertain significance for Arrhythmogenic cardiomyopathy with wooly hair and keratoderma; Arrhythmogenic right ventricular dysplasia 8. Last evaluated: 2025-03-03. Review status: criteria provided, single submitter. Criteria: Invitae Variant Classification Sherloc (09022015). Collection method: clinical testing. Allele origin: germline.
Comment: This sequence change replaces aspartic acid, which is acidic and polar, with valine, which is neutral and non-polar, at codon 2579 of the DSP protein (p.Asp2579Val). This variant is not present in population databases (gnomAD no frequency). This variant has not been reported in the literature in individuals affected with DSP-related conditions. ClinVar contains an entry for this variant (Variation ID: 1943586). An algorithm developed to predict the effect of missense changes on protein structure and function (PolyPhen-2) suggests that this variant is likely to be disruptive. In summary, the available evidence is currently insufficient to determine the role of this variant in disease. Therefore, it has been classified as a Variant of Uncertain Significance.

NM_004415.4(DSP):c.7736A>T (p.Asp2579Val)

Gene: DSP (desmoplakin; plus strand). Cytogenetic location: 6p24.3.
Variant type: single nucleotide variant.
Coding change: c.7736A>T on transcript NM_004415.4 (MANE Select); coding-DNA position 7736, A replaced by T.
Protein change: p.Asp2579Val; replaces aspartic acid 2579 with valine.
Molecular consequence: missense variant.
Genome position (GRCh38, 1-based): chr6:7,584,998, A>T. VCF-style: chr6-7584998-A-T. GRCh37 (hg19) VCF-style: chr6-7585231-A-T.
Other names: c.5939A>T, p.Asp1980Val (NM_001008844.3); c.6407A>T, p.Asp2136Val (NM_001319034.2); short protein forms D2136V, D2579V, D1980V.
Identifiers: ClinVar variation 1943586 (VCV001943586.5), dbSNP rs1759590906, ClinGen allele CA362693667.
Genomic context (GRCh38, chr6:7,584,998, plus strand): 5'-ACATGATCTCCTTGAAAAATGGTGTCGGCACCAGCAGCAGCATGGGCAGTGGTGTCAGCG[A>T]TGATGTTTTTAGCAGCTCCCGACATGAATCAGTAAGTAAGATTTCCACCATATCCAGCGT-3'
Protein context (NP_004406.2, residues 2569-2589): TSSSMGSGVS[Asp2579Val]DVFSSSRHES